The following is an entry in ClinVar:

ClinVar aggregate classification (germline): Uncertain significance (1 of 4 stars; one submission).

Allele frequency attached by ClinVar (database versions not stated): gnomAD exomes below 0.00001.
gnomAD v4.1: 1 of 1,551,786 alleles (0.000064%); highest among the groups gnomAD compares: Non-Finnish European, 0.000087%; no homozygotes.

Submission:

Labcorp Genetics (formerly Invitae), Labcorp
Classification: Uncertain significance. Last evaluated: 2022-11-01. Review status: criteria provided, single submitter. Criteria: Invitae Variant Classification Sherloc (09022015). Collection method: clinical testing. Allele origin: germline.
Comment: In summary, the available evidence is currently insufficient to determine the role of this variant in disease. Therefore, it has been classified as a Variant of Uncertain Significance. Algorithms developed to predict the effect of missense changes on protein structure and function (SIFT, PolyPhen-2, Align-GVGD) all suggest that this variant is likely to be disruptive. This variant has not been reported in the literature in individuals affected with DTHD1-related conditions. This variant is not present in population databases (gnomAD no frequency). This sequence change replaces serine, which is neutral and polar, with asparagine, which is neutral and polar, at codon 202 of the DTHD1 protein (p.Ser202Asn).

NM_001170700.3(DTHD1):c.1475G>A (p.Ser492Asn)

Gene: DTHD1 (death domain containing 1; plus strand). Cytogenetic location: 4p14.
Variant type: single nucleotide variant.
Coding change: c.1475G>A on transcript NM_001170700.3 (MANE Select); coding-DNA position 1475, G replaced by A.
Protein change: p.Ser492Asn; replaces serine 492 with asparagine.
Molecular consequence: missense variant. On other transcripts: non-coding transcript variant (2).
Genome position (GRCh38, 1-based): chr4:36,294,871, G>A. VCF-style: chr4-36294871-G-A. GRCh37 (hg19) VCF-style: chr4-36296493-G-A.
Other names: c.605G>A, p.Ser202Asn (NM_001136536.5); c.542G>A, p.Ser181Asn (NM_001378435.1); short protein forms S181N, S202N, S492N.
Identifiers: ClinVar variation 2811241 (VCV002811241.3), dbSNP rs2529730766, ClinGen allele CA356679887.